The following is an entry in ClinVar:

NM_001242896.3(DEPDC5):c.490T>G (p.Phe164Val)

Gene: DEPDC5 (DEP domain containing 5, GATOR1 subcomplex subunit; plus strand). Cytogenetic location: 22q12.2.
Variant type: single nucleotide variant.
Coding change: c.490T>G on transcript NM_001242896.3 (MANE Select); coding-DNA position 490, T replaced by G.
Protein change: p.Phe164Val; replaces phenylalanine 164 with valine.
Molecular consequence: missense variant. On other transcripts: non-coding transcript variant (5).
Genome position (GRCh38, 1-based): chr22:31,783,913, T>G. VCF-style: chr22-31783913-T-G. GRCh37 (hg19) VCF-style: chr22-32179899-T-G.
Other names: c.490T>G, p.Phe164Val (NM_001007188.4, NM_001136029.4, NM_001242897.2 and 7 more transcripts); c.406T>G, p.Phe136Val (NM_001369901.1, NM_001369902.1); short protein forms F164V, F136V.
Identifiers: ClinVar variation 1403774 (VCV001403774.8), dbSNP rs1359773870, ClinGen allele CA411285481.

ClinVar aggregate classification (germline): Uncertain significance. Review status: criteria provided, multiple submitters, no conflicts (2 of 4 stars). 3 submissions from 3 submitters: Uncertain significance (3). Last evaluated 2025-09-22.

Conditions:
Familial focal epilepsy with variable foci (FPEVF). Identifiers: Orphanet 98820, MedGen C1858477, MONDO:0020310.
Inborn genetic diseases. Identifiers: MedGen C0950123, MeSH D030342.

Allele frequency attached by ClinVar (database versions not stated): gnomAD 0.00001; TOPMed 0.00002.
gnomAD v4.1: 3 of 1,612,202 alleles (0.00019%); highest among the groups gnomAD compares: African/African-American, 0.0027%; no homozygotes.

Submissions (3):

Ambry Genetics
Classification: Uncertain significance for Inborn genetic diseases. Last evaluated: 2025-09-22. Review status: criteria provided, single submitter. Criteria: Ambry Variant Classification Scheme 2023. Collection method: clinical testing. Allele origin: germline.

Labcorp Genetics (formerly Invitae), Labcorp
Classification: Uncertain significance for Familial focal epilepsy with variable foci. Last evaluated: 2024-08-06. Review status: criteria provided, single submitter. Criteria: Invitae Variant Classification Sherloc (09022015). Collection method: clinical testing. Allele origin: germline.
Comment: This sequence change replaces phenylalanine, which is neutral and non-polar, with valine, which is neutral and non-polar, at codon 164 of the DEPDC5 protein (p.Phe164Val). This variant is not present in population databases (gnomAD no frequency). This variant has not been reported in the literature in individuals affected with DEPDC5-related conditions. ClinVar contains an entry for this variant (Variation ID: 1403774). Experimental studies and prediction algorithms are not available or were not evaluated, and the functional significance of this variant is currently unknown. In summary, the available evidence is currently insufficient to determine the role of this variant in disease. Therefore, it has been classified as a Variant of Uncertain Significance.

GeneDx
Classification: Uncertain significance. Last evaluated: 2022-11-09. Review status: criteria provided, single submitter. Criteria: GeneDx Variant Classification Process June 2021. Collection method: clinical testing. Allele origin: germline. Affected: yes.
Comment: Not observed at significant frequency in large population cohorts (gnomAD); In silico analysis supports that this missense variant has a deleterious effect on protein structure/function; Has not been previously published as pathogenic or benign to our knowledge